The following is an entry in ClinVar:

ClinVar aggregate classification (germline): Benign. Review status: criteria provided, multiple submitters, no conflicts (2 of 4 stars). 11 submissions from 11 submitters: Benign (9). 2 of the submissions do not count toward it. Last evaluated 2026-02-04.

Conditions:
Inborn genetic diseases. Identifiers: MedGen C0950123, MeSH D030342.
Pyridoxine-dependent epilepsy (EPEO4). Also called: Pyridoxine-Dependent Seizures; PYRIDOXINE DEPENDENCY WITH SEIZURES; Pyridoxine-Dependent Epilepsy - ALDH7A1; EPILEPSY, EARLY-ONSET, 4, VITAMIN B6-DEPENDENT. Identifiers: Orphanet 3006, MedGen C1849508, MONDO:0009945, OMIM 266100. Disease mechanism: loss of function.

Allele frequency attached by ClinVar (database versions not stated): gnomAD 0.08598 and 0.08755; ESP Exome Variant Server 0.07374; 1000 Genomes Project 0.09685; TOPMed 0.09059; 1000 Genomes Project 30x 0.09494; ExAC 0.10588; gnomAD exomes 0.11421.
gnomAD v4.1: 154,388 of 1,609,982 alleles (9.6%); highest among the groups gnomAD compares: Admixed American, 20%; 8,257 homozygotes.

Submissions (21):

Labcorp Genetics (formerly Invitae), Labcorp
Classification: Benign for Pyridoxine-dependent epilepsy. Last evaluated: 2026-02-04. Review status: criteria provided, single submitter. Criteria: Invitae Variant Classification Sherloc (09022015). Collection method: clinical testing. Allele origin: germline.

Unidad de Genómica Garrahan, Hospital de Pediatría Garrahan
Classification: Benign. Last evaluated: 2024-07-15. Review status: criteria provided, single submitter. Criteria: ACMG Guidelines, 2015. Collection method: clinical testing. Allele origin: germline. Affected: no. Observed: 19 variant alleles.
Comment: This variant is classified as Benign based on local population frequency. This variant was detected in 20% of patients studied in a panel designed for Epileptic and Developmental Encephalopathy and Progressive Myoclonus Epilepsy. Number of patients: 19. Only high quality variants are reported.

Genome-Nilou Lab
Classification: Benign for Pyridoxine-dependent epilepsy. Last evaluated: 2021-07-14. Review status: criteria provided, single submitter. Criteria: ACMG Guidelines, 2015. Collection method: clinical testing. Allele origin: germline. Affected: no.

Mayo Clinic Laboratories, Mayo Clinic
Classification: Benign. Last evaluated: 2018-04-10. Review status: criteria provided, single submitter. Criteria: ACMG Guidelines, 2015. Collection method: clinical testing. Allele origin: germline. Observed: 116 variant alleles.

Illumina Laboratory Services, Illumina
Classification: Benign for Pyridoxine-dependent epilepsy. Last evaluated: 2018-01-12. Review status: criteria provided, single submitter. Criteria: ICSL Variant Classification Criteria 13 December 2019. Collection method: clinical testing. Allele origin: germline.
Comment: This variant was observed in the ICSL laboratory as part of a predisposition screen in an ostensibly healthy population. It had not been previously curated by ICSL or reported in the Human Gene Mutation Database (HGMD: prior to June 1st, 2018), and was therefore a candidate for classification through an automated scoring system. Utilizing variant allele frequency, disease prevalence and penetrance estimates, and inheritance mode, an automated score was calculated to assess if this variant is too frequent to cause the disease. Based on the score and internal cut-off values, a variant classified as benign is not then subjected to further curation. The score for this variant resulted in a classification of benign for this disease.

Genome Diagnostics Laboratory, University Medical Center Utrecht
Classification: Benign for Pyridoxine-dependent epilepsy. Last evaluated: 2016-11-14. Review status: criteria provided, single submitter. Criteria: ACGS Guidelines, 2013. Collection method: clinical testing. Allele origin: germline. Affected: yes. Study: VKGL Data-share Consensus.

Ambry Genetics
Classification: Benign for Inborn genetic diseases. Last evaluated: 2016-02-24. Review status: criteria provided, single submitter. Criteria: Ambry Variant Classification Scheme 2023. Collection method: clinical testing. Allele origin: germline.

GeneDx
Classification: Benign. Last evaluated: 2013-06-11. Review status: criteria provided, single submitter. Criteria: GeneDx Variant Classification (06012015). Collection method: clinical testing. Allele origin: germline. Affected: yes.
Comment: This variant is considered likely benign or benign based on one or more of the following criteria: it is a conservative change, it occurs at a poorly conserved position in the protein, it is predicted to be benign by multiple in silico algorithms, and/or has population frequency not consistent with disease.

PreventionGenetics, part of Exact Sciences
Classification: Benign. Review status: criteria provided, single submitter. Criteria: ACMG Guidelines, 2015. Collection method: clinical testing. Allele origin: germline.

Clinical Genetics, Academic Medical Center
Classification: Benign. Review status: no assertion criteria provided. Collection method: clinical testing. Allele origin: germline. Affected: yes. Study: VKGL Data-share Consensus. Not counted in ClinVar's aggregate classification.

Dr. Peter K. Rogan Lab, Western University
No classification provided (evidence only). Condition: Colorectal cancer. Review status: no classification provided. Collection method: in vitro. Allele origin: not applicable. Functional consequence: skipped exon. Not counted in ClinVar's aggregate classification.

Dr. Peter K. Rogan Lab, Western University
No classification provided (evidence only). Condition: Thymoma. Review status: no classification provided. Collection method: in vitro. Allele origin: not applicable. Functional consequence: skipped exon. Not counted in ClinVar's aggregate classification.

Dr. Peter K. Rogan Lab, Western University
No classification provided (evidence only). Condition: Cholangiocarcinoma. Review status: no classification provided. Collection method: in vitro. Allele origin: not applicable. Functional consequence: skipped exon. Not counted in ClinVar's aggregate classification.

Dr. Peter K. Rogan Lab, Western University
No classification provided (evidence only). Condition: Cholangiocarcinoma. Review status: no classification provided. Collection method: in vitro. Allele origin: not applicable. Functional consequence: skipped exon. Not counted in ClinVar's aggregate classification.

Dr. Peter K. Rogan Lab, Western University
No classification provided (evidence only). Condition: Adrenocortical carcinoma, hereditary. Review status: no classification provided. Collection method: in vitro. Allele origin: not applicable. Functional consequence: skipped exon. Not counted in ClinVar's aggregate classification.

Dr. Peter K. Rogan Lab, Western University
No classification provided (evidence only). Condition: Adrenocortical carcinoma, hereditary. Review status: no classification provided. Collection method: in vitro. Allele origin: not applicable. Functional consequence: skipped exon. Not counted in ClinVar's aggregate classification.

Dr. Peter K. Rogan Lab, Western University
No classification provided (evidence only). Condition: Uterine carcinosarcoma. Review status: no classification provided. Collection method: in vitro. Allele origin: not applicable. Functional consequence: retained intron. Not counted in ClinVar's aggregate classification.

Dr. Peter K. Rogan Lab, Western University
No classification provided (evidence only). Condition: Uterine carcinosarcoma. Review status: no classification provided. Collection method: in vitro. Allele origin: not applicable. Functional consequence: skipped exon. Not counted in ClinVar's aggregate classification.

Dr. Peter K. Rogan Lab, Western University
No classification provided (evidence only). Condition: Uveal melanoma. Review status: no classification provided. Collection method: in vitro. Allele origin: not applicable. Functional consequence: skipped exon. Not counted in ClinVar's aggregate classification.

Dr. Peter K. Rogan Lab, Western University
No classification provided (evidence only). Condition: Uveal melanoma. Review status: no classification provided. Collection method: in vitro. Allele origin: not applicable. Functional consequence: skipped exon. Not counted in ClinVar's aggregate classification.

Genetic Services Laboratory, University of Chicago
Classification: Likely benign for AllHighlyPenetrant. Review status: no assertion criteria provided. Collection method: clinical testing. Allele origin: germline. Inheritance: Autosomal recessive inheritance. Not counted in ClinVar's aggregate classification.
Comment: Likely benign based on allele frequency in 1000 Genomes Project or ESP global frequency and its presence in a patient with a rare or unrelated disease phenotype. NOT Sanger confirmed.

NM_001182.5(ALDH7A1):c.1315A>C (p.Lys439Gln)

Gene: ALDH7A1 (aldehyde dehydrogenase 7 family member A1; minus strand). Cytogenetic location: 5q23.2.
Variant type: single nucleotide variant.
Coding change: c.1315A>C on transcript NM_001182.5 (MANE Select); coding-DNA position 1315, A replaced by C.
Protein change: p.Lys439Gln; replaces lysine 439 with glutamine.
Molecular consequence: missense variant.
Genome position (GRCh38, 1-based): chr5:126,552,023, T>G on the plus strand (A>C on the coding strand, the complement: ALDH7A1 is on the minus strand). VCF-style: chr5-126552023-T-G. GRCh37 (hg19) VCF-style: chr5-125887715-T-G.
Other names: p.K439Q:AAG>CAG; c.1231A>C, p.Lys411Gln (NM_001201377.2); c.1123A>C, p.Lys375Gln (NM_001202404.2); short protein forms K439Q, K411Q, K375Q.
Identifiers: ClinVar variation 128346 (VCV000128346.34), dbSNP rs12514417, ClinGen allele CA288679.